The following is an entry in ClinVar:

NM_006767.4(LZTR1):c.2238del (p.Tyr747fs)

Gene: LZTR1 (leucine zipper like post translational regulator 1; plus strand). Cytogenetic location: 22q11.21.
Variant type: Deletion.
Coding change: c.2238del on transcript NM_006767.4 (MANE Select); coding-DNA position 2238, one base deleted (C; older notation c.2238delC).
Protein change: p.Tyr747fs; shifts the reading frame from tyrosine 747.
Molecular consequence: frameshift variant.
Genome position (GRCh38, 1-based): chr22:20,996,714, C deleted; the last of 5 consecutive C bases (chr22:20,996,710-20,996,714); deleting any one gives the same sequence. VCF-style (leftmost placement, unchanged base first): chr22-20996709-GC-G. GRCh37 (hg19) VCF-style: chr22-21350998-GC-G.
Other names: c.2238delC (NM_006767.4); short protein forms Y747fs.
Identifiers: ClinVar variation 1788221 (VCV001788221.9), dbSNP rs764787942, ClinGen allele CA10119309.

ClinVar aggregate classification (germline): Pathogenic/Likely pathogenic. Review status: criteria provided, multiple submitters, no conflicts (2 of 4 stars). 4 submissions from 4 submitters: Pathogenic (2); Likely pathogenic (2). Last evaluated 2025-11-28.

Conditions:
Noonan syndrome 1 (NS1). Also called: TURNER PHENOTYPE WITH NORMAL KARYOTYPE; FEMALE PSEUDO-TURNER SYNDROME; PTPN11-Related Noonan Syndrome. Identifiers: Orphanet 648, MedGen C4551602, MONDO:0008104, OMIM 163950. Disease mechanism: gain of function.
Cardiovascular phenotype. Identifiers: MedGen CN230736.
Hereditary cancer-predisposing syndrome. Also called: Tumor predisposition; Hereditary Cancer Syndrome; Hereditary neoplastic syndrome; Neoplastic Syndromes, Hereditary. Identifiers: Orphanet 140162, MedGen C0027672, MeSH D009386, MONDO:0015356.
Noonan syndrome 2 (NS2). Identifiers: Orphanet 648, MedGen C1854469, MONDO:0011531, OMIM 605275.

Submissions (4):

Variantyx, Inc.
Classification: Likely pathogenic for Noonan syndrome 2. Last evaluated: 2025-11-28. Review status: criteria provided, single submitter. Criteria: Variantyx Assertion Criteria 2022. Collection method: clinical testing. Allele origin: germline. Inheritance: Autosomal recessive inheritance. Affected: no.
Comment: This is a frameshift variant in the LZTR1 gene (OMIM: 600574). Pathogenic variants in this gene have been associated with autosomal recessive Noonan syndrome 2. This variant introduces a premature termination codon in exon 19 out of 21 and is expected to result in loss of function, which is a known disease mechanism for LZTR1 in this disorder (PMID: 31182298, 30859559, 29959388) (PVS1). This variant has a 0.0022% maximum allele frequency in non-founder control populations (PM2). Based on the current evidence, this variant is classified as likely pathogenic for autosomal recessive Noonan syndrome 2. This variant is also classified as pathogenic for an increased risk of LZTR1-related schwannomatosis (OMIM 615670).

Ambry Genetics
Classification: Pathogenic for Cardiovascular phenotype; Hereditary cancer-predisposing syndrome. Last evaluated: 2025-08-19. Review status: criteria provided, single submitter. Criteria: Ambry Variant Classification Scheme 2023. Collection method: clinical testing. Allele origin: germline.
Comment: The c.2238delC variant, located in coding exon 19 of the LZTR1 gene, results from a deletion of one nucleotide at nucleotide position 2238, causing a translational frameshift with a predicted alternate stop codon (p.Y747Tfs*20). This alteration is expected to result in loss of function by premature protein truncation or nonsense-mediated mRNA decay. Loss-of-function variants in LZTR1 are related to an increased risk for schwannomas and autosomal recessive Noonan syndrome; however, such associations with autosomal dominant Noonan syndrome have not been observed (Piotrowski A et al. Nat Genet. 2014 Feb;46:182-7; Yamamoto GL et al. J Med Genet. 2015 Jun;52:413-21; Johnston JJ et al. Genet Med. 2018 10;20:1175-1185). Based on the supporting evidence, this variant is pathogenic for an increased risk of LZTR1-related schwannomatosis (SWN) and would be expected to cause autosomal recessive Noonan syndrome when present along with a second pathogenic or likely pathogenic variant on the other allele; however, the association of this alteration with autosomal dominant Noonan syndrome is unlikely.

Labcorp Genetics (formerly Invitae), Labcorp
Classification: Pathogenic. Last evaluated: 2025-05-26. Review status: criteria provided, single submitter. Criteria: Invitae Variant Classification Sherloc (09022015). Collection method: clinical testing. Allele origin: germline.
Comment: This sequence change creates a premature translational stop signal (p.Tyr747Thrfs*20) in the LZTR1 gene. It is expected to result in an absent or disrupted protein product. Loss-of-function variants in LZTR1 are known to be pathogenic (PMID: 24362817, 25335493, 25480913, 25795793, 29469822, 30368668, 30442762, 30442766, 30481304, 30859559). This variant is present in population databases (rs764787942, gnomAD 0.0009%). This variant has not been reported in the literature in individuals affected with LZTR1-related conditions. ClinVar contains an entry for this variant (Variation ID: 1788221). For these reasons, this variant has been classified as Pathogenic.

Centre for Human Genetics
Classification: Likely pathogenic for Noonan syndrome 1. Review status: criteria provided, single submitter. Criteria: ACMG Guidelines, 2015. Collection method: clinical testing. Allele origin: de novo. Inheritance: Autosomal dominant inheritance. Affected: yes. Observed: 1 variant allele.
Comment: The variant c.2238_2238delC causes a frameshit resulting in termination 20 bases downstream (Y747Tfs*20). This variant is neither reported in ExAC or 1000G. In silico analysis predict this variant to be deleterious.

Literature cited by the submitters: PubMed 31182298 (cited by Variantyx, Inc.); PubMed 30859559 (cited by Variantyx, Inc. and Labcorp Genetics (formerly Invitae), Labcorp); PubMed 29959388 (cited by Variantyx, Inc.); PubMed 24362817 (cited by Labcorp Genetics (formerly Invitae), Labcorp); PubMed 25335493 (cited by Labcorp Genetics (formerly Invitae), Labcorp); PubMed 25480913 (cited by Labcorp Genetics (formerly Invitae), Labcorp); PubMed 25795793 (cited by Labcorp Genetics (formerly Invitae), Labcorp); PubMed 29469822 (cited by Labcorp Genetics (formerly Invitae), Labcorp); PubMed 30368668 (cited by Labcorp Genetics (formerly Invitae), Labcorp); PubMed 30442762 (cited by Labcorp Genetics (formerly Invitae), Labcorp); PubMed 30442766 (cited by Labcorp Genetics (formerly Invitae), Labcorp); PubMed 30481304 (cited by Labcorp Genetics (formerly Invitae), Labcorp).